The following is an entry in ClinVar:

ClinVar aggregate classification (germline): Uncertain significance (1 of 4 stars; one submission).

Conditions:
Hereditary cancer-predisposing syndrome. Also called: Hereditary neoplastic syndrome; Hereditary Cancer Syndrome; Neoplastic Syndromes, Hereditary; Tumor predisposition. Identifiers: Orphanet 140162, MedGen C0027672, MeSH D009386, MONDO:0015356.

Submission:

Ambry Genetics
Classification: Uncertain significance for Hereditary cancer-predisposing syndrome. Last evaluated: 2023-03-22. Review status: criteria provided, single submitter. Criteria: Ambry Variant Classification Scheme 2023. Collection method: clinical testing. Allele origin: germline.
Comment: The p.C198G variant (also known as c.592T>G), located in coding exon 5 of the ATM gene, results from a T to G substitution at nucleotide position 592. The cysteine at codon 198 is replaced by glycine, an amino acid with highly dissimilar properties. This amino acid position is conserved. In addition, the in silico prediction for this alteration is inconclusive. Since supporting evidence is limited at this time, the clinical significance of this alteration remains unclear.

NM_000051.4(ATM):c.592T>G (p.Cys198Gly)

Gene: ATM (ATM serine/threonine kinase; plus strand). Cytogenetic location: 11q22.3.
Variant type: single nucleotide variant.
Coding change: c.592T>G on transcript NM_000051.4 (MANE Select); coding-DNA position 592, T replaced by G.
Protein change: p.Cys198Gly; replaces cysteine 198 with glycine.
Molecular consequence: missense variant.
Genome position (GRCh38, 1-based): chr11:108,244,048, T>G. VCF-style: chr11-108244048-T-G. GRCh37 (hg19) VCF-style: chr11-108114775-T-G.
Other names: c.592T>G, p.Cys198Gly (NM_001351834.2); short protein forms C198G.
Identifiers: ClinVar variation 2568176 (VCV002568176.2), dbSNP rs2497132326, ClinGen allele CA382528024.